The following is an entry in ClinVar:

ClinVar aggregate classification (germline): Uncertain significance (1 of 4 stars; one submission).

Submission:

GeneDx
Classification: Uncertain significance. Last evaluated: 2026-03-27. Review status: criteria provided, single submitter. Criteria: GeneDx Variant Classification Process June 2021. Collection method: clinical testing. Allele origin: germline.
Comment: Not observed at significant frequency in large population cohorts (gnomAD); In silico analysis supports that this missense variant has a deleterious effect on protein structure/function; Has not been previously published as pathogenic or benign to our knowledge

NM_005862.3(STAG1):c.1280T>C (p.Val427Ala)

Gene: STAG1 (STAG1 cohesin complex component; minus strand). Cytogenetic location: 3q22.3.
Variant type: single nucleotide variant.
Coding change: c.1280T>C on transcript NM_005862.3 (MANE Select); coding-DNA position 1280, T replaced by C.
Protein change: p.Val427Ala; replaces valine 427 with alanine.
Molecular consequence: missense variant.
Genome position (GRCh38, 1-based): chr3:136,464,914, A>G on the plus strand (T>C on the coding strand, the complement: STAG1 is on the minus strand). VCF-style: chr3-136464914-A-G. GRCh37 (hg19) VCF-style: chr3-136183756-A-G.
Other names: short protein forms V427A.
Identifiers: ClinVar variation 5017346 (VCV005017346.1).